The following is an entry in ClinVar:

ClinVar aggregate classification (germline): Uncertain significance (1 of 4 stars; one submission).

Conditions:
ATP2C2-related disorder. Also called: ATP2C2-related condition.

Submission:

PreventionGenetics, part of Exact Sciences
Classification: Uncertain significance for ATP2C2-related condition. Last evaluated: 2025-08-23. Review status: criteria provided, single submitter. Criteria: ACMG Guidelines, 2015. Collection method: clinical testing. Allele origin: germline.
Comment: The ATP2C2 c.594C>A variant is predicted to result in the amino acid substitution p.Asp198Glu. To our knowledge, this variant has not been reported in the literature or in a large population database (gnomAD), indicating this variant is rare. At this time, the clinical significance of this variant is uncertain due to the absence of conclusive functional and genetic evidence.

NM_014861.4(ATP2C2):c.594C>A (p.Asp198Glu)

Gene: ATP2C2 (ATPase secretory pathway Ca2+ transporting 2; plus strand). Cytogenetic location: 16q24.1.
Variant type: single nucleotide variant.
Coding change: c.594C>A on transcript NM_014861.4 (MANE Select); coding-DNA position 594, C replaced by A.
Protein change: p.Asp198Glu; replaces aspartic acid 198 with glutamic acid.
Molecular consequence: missense variant.
Genome position (GRCh38, 1-based): chr16:84,415,561, C>A. VCF-style: chr16-84415561-C-A. GRCh37 (hg19) VCF-style: chr16-84449167-C-A.
Other names: c.594C>A, p.Asp198Glu (NM_001286527.3); c.141C>A, p.Asp47Glu (NM_001291454.2); short protein forms D47E, D198E.
Identifiers: ClinVar variation 4991196 (VCV004991196.1).
Genomic context (GRCh38, chr16:84,415,561, plus strand): 5'-CCAGCACCTGCTTGCTCGAGAACTGGTTCCTGGTGATGTCGTATCTCTCTCGATCGGAGA[C>A]CGGATCCCTGCAGACATCCGACTCACTGAGGTGAGTGGTTCCAAACCCTTGTCAATGGGG-3'
Protein context (NP_055676.3, residues 188-208): PGDVVSLSIG[Asp198Glu]RIPADIRLTE